The following is an entry in ClinVar:

NM_006767.4(LZTR1):c.1334T>G (p.Val445Gly)

Gene: LZTR1 (leucine zipper like post translational regulator 1; plus strand). Cytogenetic location: 22q11.21.
Variant type: single nucleotide variant.
Coding change: c.1334T>G on transcript NM_006767.4 (MANE Select); coding-DNA position 1334, T replaced by G.
Protein change: p.Val445Gly; replaces valine 445 with glycine.
Molecular consequence: missense variant.
Genome position (GRCh38, 1-based): chr22:20,993,735, T>G. VCF-style: chr22-20993735-T-G. GRCh37 (hg19) VCF-style: chr22-21348024-T-G.
Other names: short protein forms V445G.
Identifiers: ClinVar variation 3869278 (VCV003869278.1).

ClinVar aggregate classification (germline): Uncertain significance (1 of 4 stars; one submission).

Conditions:
Cardiovascular phenotype. Identifiers: MedGen CN230736.
Hereditary cancer-predisposing syndrome. Also called: Tumor predisposition; Neoplastic Syndromes, Hereditary; Hereditary Cancer Syndrome; Hereditary neoplastic syndrome. Identifiers: Orphanet 140162, MedGen C0027672, MeSH D009386, MONDO:0015356.

Submission:

Ambry Genetics
Classification: Uncertain significance for Cardiovascular phenotype; Hereditary cancer-predisposing syndrome. Last evaluated: 2024-12-23. Review status: criteria provided, single submitter. Criteria: Ambry Variant Classification Scheme 2023. Collection method: clinical testing. Allele origin: germline.
Comment: The p.V445G variant (also known as c.1334T>G), located in coding exon 12 of the LZTR1 gene, results from a T to G substitution at nucleotide position 1334. The valine at codon 445 is replaced by glycine, an amino acid with dissimilar properties. This amino acid position is conserved. In addition, this alteration is predicted to be deleterious by in silico analysis. Based on the available evidence, the clinical significance of this variant remains unclear.